The following is an entry in ClinVar:

ClinVar aggregate classification (germline): Uncertain significance. Review status: criteria provided, multiple submitters, no conflicts (2 of 4 stars). 3 submissions from 3 submitters: Uncertain significance (2). 1 of the submissions does not count toward it. Last evaluated 2025-09-10.

Conditions:
Thrombocytopenia, anemia, and myelofibrosis (THAMY). Identifiers: MedGen C4479504, MONDO:0044316, OMIM 617441.

Allele frequency attached by ClinVar (database versions not stated): gnomAD exomes 0.00004; TOPMed 0.00004; ESP Exome Variant Server 0.00008; ExAC 0.00004.

Submissions (3):

Genomic Medicine Center of Excellence, King Faisal Specialist Hospital and Research Centre
Classification: Uncertain significance for Thrombocytopenia, anemia, and myelofibrosis. Last evaluated: 2025-09-10. Review status: criteria provided, single submitter. Criteria: ACMG Guidelines, 2015. Collection method: clinical testing. Allele origin: germline.

Mayo Clinic Laboratories, Mayo Clinic
Classification: Uncertain significance. Last evaluated: 2024-02-01. Review status: criteria provided, single submitter. Criteria: ACMG Guidelines, 2015. Collection method: clinical testing. Allele origin: germline. Observed: 1 variant allele.
Comment: PM1_supporting

Biochemical Molecular Genetic Laboratory, King Abdulaziz Medical City
Classification: Uncertain significance for Thrombocytopenia, anemia, and myelofibrosis. Last evaluated: 2020-02-05. Review status: no assertion criteria provided. Collection method: clinical testing. Allele origin: germline. Affected: yes. Not counted in ClinVar's aggregate classification.

NM_138272.3(MPIG6B):c.248G>A (p.Arg83His)

Gene: MPIG6B (megakaryocyte and platelet inhibitory receptor G6b; plus strand). Cytogenetic location: 6p21.33.
Variant type: single nucleotide variant.
Coding change: c.248G>A on transcript NM_138272.3 (MANE Select); coding-DNA position 248, G replaced by A.
Protein change: p.Arg83His; replaces arginine 83 with histidine.
Molecular consequence: missense variant.
Genome position (GRCh38, 1-based): chr6:31,723,825, G>A. VCF-style: chr6-31723825-G-A. GRCh37 (hg19) VCF-style: chr6-31691602-G-A.
Other names: p.Arg83His; c.248G>A, p.Arg83His (NM_025260.4, NM_138273.3, NM_138274.3 and 2 more transcripts); c.248G>A (NM_025260.3); short protein forms R83H.
Identifiers: ClinVar variation 828136 (VCV000828136.3), dbSNP rs200855070, ClinGen allele CA3720283.